The following is an entry in ClinVar:

NM_006269.2(RP1):c.361dup (p.Arg121fs)

Gene: RP1 (RP1 axonemal microtubule associated; plus strand). Cytogenetic location: 8q12.1.
Variant type: Duplication.
Coding change: c.361dup on transcript NM_006269.2 (MANE Select); coding-DNA position 361, one base duplicated (C; older notation c.361dupC).
Protein change: p.Arg121fs; shifts the reading frame from arginine 121.
Molecular consequence: frameshift variant.
Genome position (GRCh38, 1-based): chr8:54,621,327, C duplicated; the last of 3 consecutive C bases (chr8:54,621,325-54,621,327); duplicating any one gives the same sequence. VCF-style (leftmost placement, unchanged base first): chr8-54621324-G-GC. GRCh37 (hg19) VCF-style: chr8-55533884-G-GC.
Other names: c.361dup, p.Arg121fs (NM_001375654.1); short protein forms R121fs.
Identifiers: ClinVar variation 3013046 (VCV003013046.3), dbSNP rs2536556666, ClinGen allele CA2740095043.

ClinVar aggregate classification (germline): Pathogenic (1 of 4 stars; one submission).

Submission:

Labcorp Genetics (formerly Invitae), Labcorp
Classification: Pathogenic. Last evaluated: 2023-11-28. Review status: criteria provided, single submitter. Criteria: Invitae Variant Classification Sherloc (09022015). Collection method: clinical testing. Allele origin: germline.
Comment: This sequence change creates a premature translational stop signal (p.Arg121Profs*14) in the RP1 gene. It is expected to result in an absent or disrupted protein product. Loss-of-function variants in RP1 are known to be pathogenic (PMID: 11960024, 19933189). This variant is not present in population databases (gnomAD no frequency). This variant has not been reported in the literature in individuals affected with RP1-related conditions. For these reasons, this variant has been classified as Pathogenic.

Literature cited by the submitters: PubMed 11960024; PubMed 19933189.